The following is an entry in ClinVar:

ClinVar aggregate classification (germline): Uncertain significance. Review status: criteria provided, multiple submitters, no conflicts (2 of 4 stars). 2 submissions from 2 submitters: Uncertain significance (2). Last evaluated 2021-08-10.

Allele frequency attached by ClinVar (database versions not stated): gnomAD exomes below 0.00001; gnomAD 0.00001; ExAC 0.00002; TOPMed 0.00002.
gnomAD v4.1: 10 of 1,613,740 alleles (0.00062%); highest among the groups gnomAD compares: Middle Eastern, 0.016%; no homozygotes.

Submissions (2):

Labcorp Genetics (formerly Invitae), Labcorp
Classification: Uncertain significance. Last evaluated: 2021-08-10. Review status: criteria provided, single submitter. Criteria: Invitae Variant Classification Sherloc (09022015). Collection method: clinical testing. Allele origin: germline.
Comment: This sequence change replaces proline with leucine at codon 82 of the SETD5 protein (p.Pro82Leu). The proline residue is weakly conserved and there is a moderate physicochemical difference between proline and leucine. This variant is present in population databases (rs746405582, ExAC 0.006%). This missense change has been observed in individual(s) with features of SETD5-related neurodevelopmental syndrome (Invitae). ClinVar contains an entry for this variant (Variation ID: 436692). Algorithms developed to predict the effect of missense changes on protein structure and function (SIFT, PolyPhen-2, Align-GVGD) all suggest that this variant is likely to be tolerated. In summary, the available evidence is currently insufficient to determine the role of this variant in disease. Therefore, it has been classified as a Variant of Uncertain Significance.

Genetic Services Laboratory, University of Chicago
Classification: Uncertain significance. Last evaluated: 2016-06-24. Review status: criteria provided, single submitter. Criteria: ACMG Guidelines, 2015. Collection method: clinical testing. Allele origin: germline. Affected: no.

NM_001080517.3(SETD5):c.245C>T (p.Pro82Leu)

Gene: SETD5 (SET domain containing 5; plus strand). Cytogenetic location: 3p25.3.
Variant type: single nucleotide variant.
Coding change: c.245C>T on transcript NM_001080517.3 (MANE Select); coding-DNA position 245, C replaced by T.
Protein change: p.Pro82Leu; replaces proline 82 with leucine.
Molecular consequence: missense variant. On other transcripts: 5 prime UTR variant (2).
Genome position (GRCh38, 1-based): chr3:9,434,401, C>T. VCF-style: chr3-9434401-C-T. GRCh37 (hg19) VCF-style: chr3-9476085-C-T.
Other names: c.-89C>T (NM_001292043.2); c.-130C>T (NM_001349451.2); short protein forms P82L.
Identifiers: ClinVar variation 436692 (VCV000436692.11), dbSNP rs746405582, ClinGen allele CA2238896.
Genomic context (GRCh38, chr3:9,434,401, plus strand): 5'-TCCCTCGTTCTGACCTGAATGGCCTGCCGTCGCCTGTAGAGGAACGCTGTGGAGACAGCC[C>T]GAACTCTGAAGGAGAAACTGTACCTACCTGGTGTCCTTGTGGTCTTTCTCAGGATGGCTT-3'
Protein context (NP_001073986.1, residues 72-92): SPVEERCGDS[Pro82Leu]NSEGETVPTW